The following is an entry in ClinVar:

NM_007294.4(BRCA1):c.1289A>G (p.Asp430Gly)

Gene: BRCA1 (BRCA1 DNA repair associated; minus strand). Cytogenetic location: 17q21.31.
Variant type: single nucleotide variant.
Coding change: c.1289A>G on transcript NM_007294.4 (MANE Select); coding-DNA position 1289, A replaced by G.
Protein change: p.Asp430Gly; replaces aspartic acid 430 with glycine.
Molecular consequence: missense variant. On other transcripts: intron variant (137).
Genome position (GRCh38, 1-based): chr17:43,094,242, T>C on the plus strand (A>G on the coding strand, the complement: BRCA1 is on the minus strand). VCF-style: chr17-43094242-T-C. GRCh37 (hg19) VCF-style: chr17-41246259-T-C.
Other names: c.1076A>G, p.Asp359Gly (NM_001407571.1, NM_001407853.1, NM_001407894.1 and 9 more transcripts); c.1289A>G, p.Asp430Gly (NM_001407581.1, NM_001407582.1, NM_001407583.1 and 30 more transcripts); c.1286A>G, p.Asp429Gly (NM_001407587.1, NM_001407590.1, NM_001407591.1 and 22 more transcripts); c.1280A>G, p.Asp427Gly (NM_001407646.1, NM_001407647.1); c.1208A>G, p.Asp403Gly (NM_001407659.1, NM_001407660.1, NM_001407661.1 and 1 more transcripts); c.1211A>G, p.Asp404Gly (NM_001407663.1, NM_001407653.1, NM_001407654.1 and 4 more transcripts); c.1166A>G, p.Asp389Gly (NM_001407664.1, NM_001407665.1, NM_001407666.1 and 19 more transcripts); c.1163A>G, p.Asp388Gly (NM_001407685.1, NM_001407686.1, NM_001407940.1 and 11 more transcripts); and 40 more; short protein forms D383G, D430G, D134G, D302G, D303G, D318G, D319G, D341G.
Identifiers: ClinVar variation 853871 (VCV000853871.17), dbSNP rs2053963023, ClinGen allele CA10599476.
Genomic context (GRCh38, chr17:43,094,242, plus strand): 5'-TTGGAGTGAACTCTTTCACTTTTACATATTAAAGCCTCATGAGGATCACTGGCCAGTAAG[T>C]CTATTTTCTCTGAAGAACCAGAATATTCATCTACCTCATTTAGAACGTCCAATACATCAG-3'
Protein context (NP_009225.1, residues 420-440): DEYSGSSEKI[Asp430Gly]LLASDPHEAL

ClinVar aggregate classification (germline): Conflicting classifications of pathogenicity. Review status: criteria provided, conflicting classifications (1 of 4 stars). 5 submissions from 5 submitters: Uncertain significance (4); Likely benign (1). Last evaluated 2026-04-03.

Conditions:
Hereditary cancer-predisposing syndrome. Also called: Hereditary Cancer Syndrome; Neoplastic Syndromes, Hereditary; Tumor predisposition; Hereditary neoplastic syndrome. Identifiers: Orphanet 140162, MedGen C0027672, MeSH D009386, MONDO:0015356.
Hereditary breast ovarian cancer syndrome. Also called: Hereditary breast and ovarian cancer syndrome (HBOC); Hereditary breast and/or ovarian cancer syndrome; Hereditary breast and ovarian cancer syndrome; BRCA1- and BRCA2-Associated Hereditary Breast and Ovarian Cancer; Breast and ovarian cancer; Hereditary breast and ovarian cancer. Identifiers: Orphanet 145, MedGen C0677776, MeSH D061325, MONDO:0003582. Disease mechanism: loss of function.

Submissions (5):

Women's Health and Genetics/Laboratory Corporation of America, LabCorp
Classification: Uncertain significance. Last evaluated: 2026-04-03. Review status: criteria provided, single submitter. Criteria: LabCorp Variant Classification Summary - May 2015. Collection method: clinical testing. Allele origin: germline.

Labcorp Genetics (formerly Invitae), Labcorp
Classification: Uncertain significance for Hereditary breast ovarian cancer syndrome. Last evaluated: 2024-03-06. Review status: criteria provided, single submitter. Criteria: Invitae Variant Classification Sherloc (09022015). Collection method: clinical testing. Allele origin: germline.
Comment: This sequence change replaces aspartic acid, which is acidic and polar, with glycine, which is neutral and non-polar, at codon 430 of the BRCA1 protein (p.Asp430Gly). This variant is not present in population databases (gnomAD no frequency). This variant has not been reported in the literature in individuals affected with BRCA1-related conditions. ClinVar contains an entry for this variant (Variation ID: 853871). Advanced modeling of protein sequence and biophysical properties (such as structural, functional, and spatial information, amino acid conservation, physicochemical variation, residue mobility, and thermodynamic stability) performed at Invitae indicates that this missense variant is not expected to disrupt BRCA1 protein function with a negative predictive value of 95%. In summary, the available evidence is currently insufficient to determine the role of this variant in disease. Therefore, it has been classified as a Variant of Uncertain Significance.

GeneDx
Classification: Uncertain significance. Last evaluated: 2024-01-10. Review status: criteria provided, single submitter. Criteria: GeneDx Variant Classification Process June 2021. Collection method: clinical testing. Allele origin: germline. Affected: yes.
Comment: Not observed at significant frequency in large population cohorts (gnomAD); In silico analysis supports that this missense variant has a deleterious effect on protein structure/function; Has not been previously published as pathogenic or benign to our knowledge; Also known as 1408A>G; This variant is associated with the following publications: (PMID: 29310832)

University of Washington Department of Laboratory Medicine, University of Washington
Classification: Likely benign for Hereditary cancer-predisposing syndrome. Last evaluated: 2023-03-23. Review status: criteria provided, single submitter. Criteria: Dines et al. (Genet Med. 2020). Collection method: curation. Allele origin: germline.
Comment: Missense variant in a coldspot region where missense variants are very unlikely to be pathogenic (PMID:31911673).

BRCA1 coldspot (exon 11 using historical exon numbering). Reclassification based on statistical prior probability

Ambry Genetics
Classification: Uncertain significance for Hereditary cancer-predisposing syndrome. Last evaluated: 2022-09-13. Review status: criteria provided, single submitter. Criteria: Ambry Variant Classification Scheme 2023. Collection method: clinical testing. Allele origin: germline.
Comment: The p.D430G variant (also known as c.1289A>G), located in coding exon 9 of the BRCA1 gene, results from an A to G substitution at nucleotide position 1289. The aspartic acid at codon 430 is replaced by glycine, an amino acid with similar properties. This amino acid position is not well conserved in available vertebrate species. In addition, the in silico prediction for this alteration is inconclusive. Since supporting evidence is limited at this time, the clinical significance of this alteration remains unclear.